The following is an entry in ClinVar:

NM_006218.4(PIK3CA):c.1634A>G (p.Glu545Gly)

Gene: PIK3CA (phosphatidylinositol-4,5-bisphosphate 3-kinase catalytic subunit alpha; plus strand). Cytogenetic location: 3q26.32.
Variant type: single nucleotide variant.
Coding change: c.1634A>G on transcript NM_006218.4 (MANE Select); coding-DNA position 1634, A replaced by G.
Protein change: p.Glu545Gly; replaces glutamic acid 545 with glycine.
Molecular consequence: missense variant.
Genome position (GRCh38, 1-based): chr3:179,218,304, A>G. VCF-style: chr3-179218304-A-G. GRCh37 (hg19) VCF-style: chr3-178936092-A-G.
Other names: c.1634A>G, p.Glu545Gly (LRG_310t1); short protein forms E545G.
Identifiers: ClinVar variation 13656 (VCV000013656.4), dbSNP rs121913274, ClinGen allele CA123336.

ClinVar aggregate classification (germline): Pathogenic. Review status: criteria provided, single submitter (1 of 4 stars). 3 submissions from 2 submitters: Pathogenic (1). 2 of the submissions do not count toward it. Last evaluated 2024-02-02.
ClinVar aggregate classification (somatic clinical impact): Tier I - Strong (1 of 4 stars; one submission).
ClinVar aggregate classification (oncogenicity): Oncogenic (1 of 4 stars; one submission).

Conditions:
Epidermal nevus. Also called: Nevus, epidermal, somatic; NEVUS, KERATINOCYTIC, NONEPIDERMOLYTIC. Identifiers: Orphanet 79414, MedGen C0334082, MONDO:0008093, OMIM 162900, HP:0010816.
Carcinoma of colon (CRC). Also called: Colon carcinoma; Colonic carcinoma. Identifiers: MedGen C0699790, MONDO:0002032.
PIK3CA related overgrowth syndrome. Also called: PIK3CA-Related Segmental Overgrowth; PIK3CA related overgrowth spectrum. Identifiers: Orphanet 530313, MedGen C4728213, MONDO:1040002.
Medulloblastoma WNT activated. Identifiers: MedGen C4331965, MONDO:0850196.
Neoplasm. Also called: Neoplasms; Neoplasm (disease); tumor. Identifiers: MedGen C0027651, MeSH D009369, MONDO:0005070, HP:0002664.

Submissions (5):

Center for Genomic Medicine, Rigshospitalet, Copenhagen University Hospital
Classification: Oncogenic for Neoplasm. Last evaluated: 2026-10-16. Review status: criteria provided, single submitter. Criteria: ClinGen/CGC/VICC Guidelines for Oncogenicity, 2022. Collection method: clinical testing. Allele origin: somatic. Affected: yes.

Clinical Genomics Laboratory, Washington University in St. Louis
Classification: Pathogenic for PIK3CA-related overgrowth syndrome. Last evaluated: 2024-02-02. Review status: criteria provided, single submitter. Criteria: ACMG Guidelines, 2015. Collection method: clinical testing. Allele origin: somatic. Affected: yes.
Comment: A PIK3CA c.1634A>G (p.Glu545Gly) variant was identified at an allelic fraction consistent with somatic origin. This variant has been reported in multiple individuals with PIK3CA-Related Overgrowth Spectrum (PROS) disorders (Luks VL et al., PMID: 25681199; Serio VB et al., PMID: 37662840; Vahidnezhad H et al., PMID: 27037860). The PIK3CA c.1634A>G (p.Glu545Gly) variant has been reported numerous times in the Catalogue of Somatic Mutations in Cancer (COSMIC) (Genomic Mutation ID: COSV55873220). This variant is absent from the general population (gnomAD v4.0.0), indicating it is not a common variant. Computational predictors indicate that this variant is damaging, evidence that correlates with impact to PIK3CA function. The PIK3CA gene is defined by the ClinGen Brain Malformations Variant Curation Expert Panel as a gene that has a low rate of benign missense variation and where pathogenic missense variants are a common mechanism of disease (Lai et al., PMID: 35997716). Other variants in the same codon, c.1634A>C (p.Glu545Ala), c.1633G>A (p.Glu545Lys), and c.1635G>T (p.Glu545Asp), have been reported and are considered pathogenic/likely pathogenic (ClinVar Variation IDs: 13659, 13655, and 217293). Based on an internally-developed protocol informed by the ACMG/AMP guidelines (Richards S et al., PMID: 25741868) and gene-specific practices from the ClinGen Criteria Specification Registry, the PIK3CA c.1634A>G (p.Glu545Gly) variant is classified as pathogenic.

Institute for Genomic Medicine (IGM) Clinical Laboratory, Nationwide Children's Hospital
Classification: Tier I - Strong for Medulloblastoma WNT activated. Assertion type: diagnostic. Clinical significance: supports diagnosis. Last evaluated: 2023-12-26. Review status: criteria provided, single submitter. Criteria: AMP/ASCO/CAP Guidelines, 2017. Collection method: clinical testing. Allele origin: somatic. Affected: yes.
Comment: Variant has Tier I (strong) clinical significance as a diagnostic inclusion criterion in medulloblastoma WNT activated, based on the following evidence: 1) Documented in one or more cancer databases (e.g., St. Jude Pecan, COSMIC, CIViC, OncoKB). 2) Appears in one or more well-established professional guidelines (e.g., World Health Organization [WHO]; National Comprehensive Cancer Network [NCCN]) as providing diagnostic, prognostic, or therapeutic information. 3) Information in the literature supports potential biologic effect of variant (PMIDs: 17376864, 26627007). 4) Diagnostic for a specific tumor type/classification based on well-powered studies with expert-level consensus (Evidence Level B; PMIDs: 28726821, 22722829).

OMIM
Classification: Pathogenic for COLORECTAL CANCER, SOMATIC. Last evaluated: 2007-08-14. Review status: no assertion criteria provided. Collection method: literature only. Allele origin: somatic. Not counted in ClinVar's aggregate classification.

OMIM
Classification: Pathogenic for NEVUS, EPIDERMAL, SOMATIC. Last evaluated: 2007-08-14. Review status: no assertion criteria provided. Collection method: literature only. Allele origin: somatic. Not counted in ClinVar's aggregate classification.

Literature cited by the submitters: PubMed 17376864 (cited by Institute for Genomic Medicine (IGM) Clinical Laboratory, Nationwide Children's Hospital); PubMed 26627007 (cited by Institute for Genomic Medicine (IGM) Clinical Laboratory, Nationwide Children's Hospital); PubMed 28726821 (cited by Institute for Genomic Medicine (IGM) Clinical Laboratory, Nationwide Children's Hospital); PubMed 22722829 (cited by Institute for Genomic Medicine (IGM) Clinical Laboratory, Nationwide Children's Hospital); PubMed 15520168 (cited by OMIM); PubMed 17673550 (cited by OMIM).